The following is an entry in ClinVar:

ClinVar aggregate classification (germline): Uncertain significance. Review status: criteria provided, multiple submitters, no conflicts (2 of 4 stars). 2 submissions from 2 submitters: Uncertain significance (2). Last evaluated 2024-08-31.

Conditions:
Cardiovascular phenotype. Identifiers: MedGen CN230736.
Brugada syndrome. Also called: Sudden unexpected nocturnal death syndrome; Sudden unexplained nocturnal death syndrome; Sudden Unexplained Death Syndrome; Sudden Unexplained Nocturnal Death Syndrome (SUNDS). Identifiers: Orphanet 130, MedGen C1142166, MONDO:0015263.

Allele frequency attached by ClinVar (database versions not stated): gnomAD exomes below 0.00001; ExAC 0.00001; gnomAD 0.00001; ESP Exome Variant Server 0.00008.
gnomAD v4.1: 3 of 1,613,684 alleles (0.00019%); highest among the groups gnomAD compares: Non-Finnish European, 0.00025%; no homozygotes.

Submissions (2):

Ambry Genetics
Classification: Uncertain significance for Cardiovascular phenotype. Last evaluated: 2024-08-31. Review status: criteria provided, single submitter. Criteria: Ambry Variant Classification Scheme 2023. Collection method: clinical testing. Allele origin: germline.
Comment: The p.A1170D variant (also known as c.3509C>A), located in coding exon 20 of the SCN10A gene, results from a C to A substitution at nucleotide position 3509. The alanine at codon 1170 is replaced by aspartic acid, an amino acid with dissimilar properties. This amino acid position is conserved. In addition, this alteration is predicted to be deleterious by in silico analysis. Based on the available evidence, the clinical significance of this variant remains unclear.

Labcorp Genetics (formerly Invitae), Labcorp
Classification: Uncertain significance for Brugada syndrome. Last evaluated: 2021-08-24. Review status: criteria provided, single submitter. Criteria: Invitae Variant Classification Sherloc (09022015). Collection method: clinical testing. Allele origin: germline.
Comment: Algorithms developed to predict the effect of missense changes on protein structure and function are either unavailable or do not agree on the potential impact of this missense change (SIFT: "Deleterious"; PolyPhen-2: "Not Available"; Align-GVGD: "Class C0"). This variant has not been reported in the literature in individuals affected with SCN10A-related conditions. This variant is present in population databases (rs267599801, ExAC 0.002%). This sequence change replaces alanine with aspartic acid at codon 1170 of the SCN10A protein (p.Ala1170Asp). The alanine residue is highly conserved and there is a moderate physicochemical difference between alanine and aspartic acid. In summary, the available evidence is currently insufficient to determine the role of this variant in disease. Therefore, it has been classified as a Variant of Uncertain Significance.

NM_006514.4(SCN10A):c.3509C>A (p.Ala1170Asp)

Gene: SCN10A (sodium voltage-gated channel alpha subunit 10; minus strand). Cytogenetic location: 3p22.2.
Variant type: single nucleotide variant.
Coding change: c.3509C>A on transcript NM_006514.4 (MANE Select); coding-DNA position 3509, C replaced by A.
Protein change: p.Ala1170Asp; replaces alanine 1170 with aspartic acid.
Molecular consequence: missense variant.
Genome position (GRCh38, 1-based): chr3:38,718,825, G>T on the plus strand (C>A on the coding strand, the complement: SCN10A is on the minus strand). VCF-style: chr3-38718825-G-T. GRCh37 (hg19) VCF-style: chr3-38760316-G-T.
Other names: c.3509C>A (NM_006514.2); c.3506C>A, p.Ala1169Asp (NM_001293306.2); c.3215C>A, p.Ala1072Asp (NM_001293307.2); short protein forms A1072D, A1170D, A1169D.
Identifiers: ClinVar variation 1443582 (VCV001443582.7), dbSNP rs267599801, ClinGen allele CA2320197.